The following is an entry in ClinVar:

ClinVar aggregate classification (germline): Uncertain significance. Review status: criteria provided, multiple submitters, no conflicts (2 of 4 stars). 4 submissions from 4 submitters: Uncertain significance (4). Last evaluated 2026-09-14.

Conditions:
ABCA4-related disorder. Also called: ABCA4-related condition; ABCA4-related disorders. Identifiers: MedGen CN239167.

Allele frequency attached by ClinVar (database versions not stated): TOPMed 0.00005.
gnomAD v4.1: 96 of 1,550,786 alleles (0.0062%); highest among the groups gnomAD compares: Non-Finnish European, 0.0077%; 1 homozygote.

Submissions (4):

PreventionGenetics, part of Exact Sciences
Classification: Uncertain significance for ABCA4-related condition. Last evaluated: 2026-09-14. Review status: criteria provided, single submitter. Criteria: ACMG Guidelines, 2015. Collection method: clinical testing. Allele origin: germline.
Comment: The ABCA4 c.4535C>A variant is predicted to result in the amino acid substitution p.Pro1512His. This variant has been reported in an individual with inherited retinal disease (Downs et al. 2007. PubMed ID: 17296903). An alternate nucleotide change at this amino acid position (p.Pro1512Arg) has been reported in individuals with ABCA4-related retinal disease (Fumagalli et al. 2001. PubMed ID: 11702214). This variant is reported in 0.0078% of alleles in individuals of European (Non-Finnish) descent in gnomAD. Although we suspect this variant may be pathogenic, at this time, the clinical significance of this variant is uncertain due to the absence of conclusive functional and genetic evidence.

CeGaT Center for Human Genetics Tuebingen
Classification: Uncertain significance. Last evaluated: 2026-09-01. Review status: criteria provided, single submitter. Criteria: CeGaT Center For Human Genetics Tuebingen Variant Classification Criteria Version 2. Collection method: clinical testing. Allele origin: germline. Affected: yes. Observed: 1 variant allele.
Comment: ABCA4: PM2:Supporting, PM3:Supporting

Labcorp Genetics (formerly Invitae), Labcorp
Classification: Uncertain significance. Last evaluated: 2024-10-31. Review status: criteria provided, single submitter. Criteria: Invitae Variant Classification Sherloc (09022015). Collection method: clinical testing. Allele origin: germline.
Comment: This sequence change replaces proline, which is neutral and non-polar, with histidine, which is basic and polar, at codon 1512 of the ABCA4 protein (p.Pro1512His). This variant is present in population databases (rs61750150, gnomAD 0.008%). This missense change has been observed in individual(s) with retinal degeneration (PMID: 17296903). ClinVar contains an entry for this variant (Variation ID: 837214). Invitae Evidence Modeling of protein sequence and biophysical properties (such as structural, functional, and spatial information, amino acid conservation, physicochemical variation, residue mobility, and thermodynamic stability) has been performed for this missense variant. However, the output from this modeling did not meet the statistical confidence thresholds required to predict the impact of this variant on ABCA4 protein function. In summary, the available evidence is currently insufficient to determine the role of this variant in disease. Therefore, it has been classified as a Variant of Uncertain Significance.

Blueprint Genetics
Classification: Uncertain significance. Last evaluated: 2024-06-18. Review status: criteria provided, single submitter. Criteria: ACMG Guidelines, 2015. Collection method: clinical testing. Allele origin: germline.

Literature cited by the submitters: PubMed 17296903 (cited by Labcorp Genetics (formerly Invitae), Labcorp).

NM_000350.3(ABCA4):c.4535C>A (p.Pro1512His)

Gene: ABCA4 (ATP binding cassette subfamily A member 4; minus strand). Cytogenetic location: 1p22.1.
Variant type: single nucleotide variant.
Coding change: c.4535C>A on transcript NM_000350.3 (MANE Select); coding-DNA position 4535, C replaced by A.
Protein change: p.Pro1512His; replaces proline 1512 with histidine.
Molecular consequence: missense variant.
Genome position (GRCh38, 1-based): chr1:94,029,449, G>T on the plus strand (C>A on the coding strand, the complement: ABCA4 is on the minus strand). VCF-style: chr1-94029449-G-T. GRCh37 (hg19) VCF-style: chr1-94495005-G-T.
Other names: c.4313C>A, p.Pro1438His (NM_001425324.1); short protein forms P1512H, P1438H.
Identifiers: ClinVar variation 837214 (VCV000837214.12), dbSNP rs61750150, ClinGen allele CA957584.